The following is an entry in ClinVar:

NM_022114.4(PRDM16):c.666C>T (p.Pro222=)

Gene: PRDM16 (PR/SET domain 16; plus strand). Cytogenetic location: 1p36.32.
Variant type: single nucleotide variant.
Coding change: c.666C>T on transcript NM_022114.4 (MANE Select); coding-DNA position 666, C replaced by T.
Protein change: p.Pro222=; no amino-acid change (proline 222 retained).
Molecular consequence: synonymous variant.
Genome position (GRCh38, 1-based): chr1:3,396,583, C>T. VCF-style: chr1-3396583-C-T. GRCh37 (hg19) VCF-style: chr1-3313147-C-T.
Other names: c.666C>T, p.Pro222= (NM_199454.3).
Identifiers: ClinVar variation 226442 (VCV000226442.14), dbSNP rs876657565, ClinGen allele CA10576417.

ClinVar aggregate classification (germline): Likely benign. Review status: criteria provided, multiple submitters, no conflicts (2 of 4 stars). 3 submissions from 3 submitters: Likely benign (3). Last evaluated 2025-05-27.

Conditions:
Left ventricular noncompaction 8 (LVNC8). Identifiers: Orphanet 154, Orphanet 54260, MedGen C3809288, MONDO:0014152, OMIM 615373.

Allele frequency attached by ClinVar (database versions not stated): gnomAD 0.00001; TOPMed 0.00002.
gnomAD v4.1: 53 of 1,570,284 alleles (0.0034%); highest among the groups gnomAD compares: Non-Finnish European, 0.0044%; no homozygotes.

Submissions (3):

Labcorp Genetics (formerly Invitae), Labcorp
Classification: Likely benign for Left ventricular noncompaction 8. Last evaluated: 2025-05-27. Review status: criteria provided, single submitter. Criteria: Invitae Variant Classification Sherloc (09022015). Collection method: clinical testing. Allele origin: germline.

GeneDx
Classification: Likely benign. Last evaluated: 2017-02-03. Review status: criteria provided, single submitter. Criteria: GeneDx Variant Classification (06012015). Collection method: clinical testing. Allele origin: germline. Affected: yes.
Comment: This variant is considered likely benign or benign based on one or more of the following criteria: it is a conservative change, it occurs at a poorly conserved position in the protein, it is predicted to be benign by multiple in silico algorithms, and/or has population frequency not consistent with disease.

Laboratory for Molecular Medicine, Mass General Brigham Personalized Medicine
Classification: Likely benign. Last evaluated: 2015-03-11. Review status: criteria provided, single submitter. Criteria: LMM Criteria. Collection method: clinical testing. Allele origin: germline. Observed: 2 variant alleles.
Comment: p.Pro222Pro in exon 5 of PRDM16: This variant is not expected to have clinical s ignificance because it does not alter an amino acid residue and is not located w ithin the splice consensus sequence.